The following is an entry in ClinVar:

NM_001905.4(CTPS1):c.1095-5T>G

Gene: CTPS1 (CTP synthase 1; plus strand). Cytogenetic location: 1p34.2.
Variant type: single nucleotide variant.
Coding change: c.1095-5T>G on transcript NM_001905.4 (MANE Select); 5 bases into the intron before coding-DNA position 1095, T replaced by G.
Molecular consequence: intron variant.
Genome position (GRCh38, 1-based): chr1:41,002,155, T>G. VCF-style: chr1-41002155-T-G. GRCh37 (hg19) VCF-style: chr1-41467827-T-G.
Other names: c.627-5T>G (NM_001301237.2).
Identifiers: ClinVar variation 944489 (VCV000944489.8), dbSNP rs373984935, ClinGen allele CA795429.

ClinVar aggregate classification (germline): Uncertain significance. Review status: criteria provided, multiple submitters, no conflicts (2 of 4 stars). 2 submissions from 2 submitters: Uncertain significance (2). Last evaluated 2022-07-14.

Conditions:
Combined immunodeficiency due to CTPS1 deficiency. Also called: Immunodeficiency 24; Severe combined immunodeficiency due to CTPS1 deficiency. Identifiers: Orphanet 420573, MedGen C4014617, MONDO:0014391, OMIM 615897.

Allele frequency attached by ClinVar (database versions not stated): gnomAD 0.00001; ExAC 0.00002; gnomAD exomes 0.00002; TOPMed 0.00002; ESP Exome Variant Server 0.00008.
gnomAD v4.1: 65 of 1,613,864 alleles (0.004%); highest among the groups gnomAD compares: Non-Finnish European, 0.0054%; no homozygotes.

Submissions (2):

Blueprint Genetics
Classification: Uncertain significance. Last evaluated: 2022-07-14. Review status: criteria provided, single submitter. Criteria: ACMG Guidelines, 2015. Collection method: clinical testing. Allele origin: germline.

Labcorp Genetics (formerly Invitae), Labcorp
Classification: Uncertain significance for Combined immunodeficiency due to CTPS1 deficiency. Last evaluated: 2019-03-30. Review status: criteria provided, single submitter. Criteria: Invitae Variant Classification Sherloc (09022015). Collection method: clinical testing. Allele origin: germline.
Comment: In summary, the available evidence is currently insufficient to determine the role of this variant in disease. Therefore, it has been classified as a Variant of Uncertain Significance. Algorithms developed to predict the effect of sequence changes on RNA splicing suggest that this variant may disrupt the consensus splice site, but this prediction has not been confirmed by published transcriptional studies. This variant has not been reported in the literature in individuals with CTPS1-related conditions. This variant is present in population databases (rs373984935, ExAC 0.003%). This sequence change falls in intron 10 of the CTPS1 gene. It does not directly change the encoded amino acid sequence of the CTPS1 protein.